The following is an entry in ClinVar:

ClinVar aggregate classification (germline): Benign/Likely benign. Review status: criteria provided, multiple submitters, no conflicts (2 of 4 stars). 6 submissions from 6 submitters: Benign (1); Likely benign (5). Last evaluated 2024-10-16.

Conditions:
Classic or attenuated familial adenomatous polyposis. Identifiers: MedGen CN372698, MONDO:0021057.
Hereditary cancer-predisposing syndrome. Also called: Hereditary Cancer Syndrome; Hereditary neoplastic syndrome; Neoplastic Syndromes, Hereditary; Tumor predisposition. Identifiers: Orphanet 140162, MedGen C0027672, MeSH D009386, MONDO:0015356.
Familial adenomatous polyposis 1 (FAP1). Also called: FAMILIAL ADENOMATOUS POLYPOSIS 1, ATTENUATED; POLYPOSIS, ADENOMATOUS INTESTINAL. Identifiers: MedGen C2713442, MONDO:0021056, OMIM 175100. Disease mechanism: loss of function.

Allele frequency attached by ClinVar (database versions not stated): TOPMed below 0.00001.
gnomAD v4.1: 1 of 1,613,968 alleles (0.000062%); highest among the groups gnomAD compares: Non-Finnish European, 0.000085%; no homozygotes.

Submissions (6):

Labcorp Genetics (formerly Invitae), Labcorp
Classification: Likely benign for Familial adenomatous polyposis 1. Last evaluated: 2024-10-16. Review status: criteria provided, single submitter. Criteria: Invitae Variant Classification Sherloc (09022015). Collection method: clinical testing. Allele origin: germline.

Myriad Genetics, Inc.
Classification: Benign for Familial adenomatous polyposis 1. Last evaluated: 2024-03-01. Review status: criteria provided, single submitter. Criteria: Myriad Autosomal Dominant, Autosomal Recessive and X-Linked Classification Criteria (2023). Collection method: clinical testing. Allele origin: unknown.
Comment: This variant is considered benign. This variant is a silent/synonymous amino acid change and it is not expected to impact splicing.

All of Us Research Program, National Institutes of Health
Classification: Likely benign for Classic or attenuated familial adenomatous polyposis. Last evaluated: 2023-05-16. Review status: criteria provided, single submitter. Criteria: ACMG Guidelines, 2015. Collection method: clinical testing. Allele origin: germline. Inheritance: Autosomal dominant inheritance. Observed: 1 variant allele, 1 heterozygote.
Comment: This study involves interpretation of variants in research participants for the purpose of population health screening. Participant phenotype was not available at the time of variant classification. Additional details can be found in publication PMID: 35346344, PMCID: PMC8962531

Color Diagnostics, LLC DBA Color Health
Classification: Likely benign for Hereditary cancer-predisposing syndrome. Last evaluated: 2023-05-03. Review status: criteria provided, single submitter. Criteria: ACMG Guidelines, 2015. Collection method: clinical testing. Allele origin: germline.

Ambry Genetics
Classification: Likely benign for Hereditary cancer-predisposing syndrome. Last evaluated: 2023-03-14. Review status: criteria provided, single submitter. Criteria: Ambry Variant Classification Scheme 2023. Collection method: clinical testing. Allele origin: germline.

GeneDx
Classification: Likely benign. Last evaluated: 2016-07-22. Review status: criteria provided, single submitter. Criteria: GeneDx Variant Classification (06012015). Collection method: clinical testing. Allele origin: germline. Affected: yes.
Comment: This variant is considered likely benign or benign based on one or more of the following criteria: it is a conservative change, it occurs at a poorly conserved position in the protein, it is predicted to be benign by multiple in silico algorithms, and/or has population frequency not consistent with disease.

NM_000038.6(APC):c.1203G>A (p.Arg401=)

Gene: APC (APC regulator of Wnt signaling pathway; plus strand). Cytogenetic location: 5q22.2.
Variant type: single nucleotide variant.
Coding change: c.1203G>A on transcript NM_000038.6 (MANE Select); coding-DNA position 1203, G replaced by A.
Protein change: p.Arg401=; no amino-acid change (arginine 401 retained).
Molecular consequence: synonymous variant. On other transcripts: intron variant (4).
Genome position (GRCh38, 1-based): chr5:112,819,235, G>A. VCF-style: chr5-112819235-G-A. GRCh37 (hg19) VCF-style: chr5-112154932-G-A.
Other names: c.1203G>A, p.Arg401= (NM_001354895.2, NM_001354896.2, NM_001127510.3); c.1233G>A, p.Arg411= (NM_001354897.2); c.1128G>A, p.Arg376= (NM_001354898.2); c.1119G>A, p.Arg373= (NM_001354899.2); c.1026G>A, p.Arg342= (NM_001354900.2, NM_001354901.2); c.354G>A, p.Arg118= (NM_001354906.2); c.964-34G>A (NM_001354902.2); c.859-34G>A (NM_001354904.2); and 3 more.
Identifiers: ClinVar variation 387952 (VCV000387952.7), dbSNP rs587780589, ClinGen allele CA16604740.